The following is an entry in ClinVar:

ClinVar aggregate classification (germline): Pathogenic. Review status: criteria provided, multiple submitters, no conflicts (2 of 4 stars). 5 submissions from 5 submitters: Pathogenic (4). 1 of the submissions does not count toward it. Last evaluated 2025-03-28.

Conditions:
PROM1-related disorder. Also called: PROM1-related condition; PROM1-related disorders.
Retinal dystrophy. Also called: Inherited retinal dystrophy. Identifiers: Orphanet 71862, MedGen C0854723, MeSH D058499, MONDO:0019118, HP:0000556.
Cone-rod dystrophy 12 (CORD12). Identifiers: Orphanet 1872, MedGen C2675210, MONDO:0012983, OMIM 612657.

Allele frequency attached by ClinVar (database versions not stated): gnomAD 0.00001; gnomAD exomes 0.00002; ExAC 0.00004; TOPMed 0.00005; ESP Exome Variant Server 0.00008.
gnomAD v4.1: 27 of 1,606,988 alleles (0.0017%); highest among the groups gnomAD compares: African/African-American, 0.0027%; no homozygotes.

Submissions (5):

Revvity Omics, Revvity
Classification: Pathogenic. Last evaluated: 2025-03-28. Review status: criteria provided, single submitter. Criteria: ACMG Guidelines, 2015. Collection method: clinical testing. Allele origin: germline.

Labcorp Genetics (formerly Invitae), Labcorp
Classification: Pathogenic. Last evaluated: 2024-10-07. Review status: criteria provided, single submitter. Criteria: Invitae Variant Classification Sherloc (09022015). Collection method: clinical testing. Allele origin: germline.
Comment: This sequence change creates a premature translational stop signal (p.Arg244*) in the PROM1 gene. It is expected to result in an absent or disrupted protein product. Loss-of-function variants in PROM1 are known to be pathogenic (PMID: 17605048, 19718270, 24154662, 25474345). This variant is present in population databases (rs373331232, gnomAD 0.007%). This premature translational stop signal has been observed in individual(s) with autosomal recessive inherited retinal dystrophy (PMID: 24154662, 24763286, 32581362). ClinVar contains an entry for this variant (Variation ID: 438215). For these reasons, this variant has been classified as Pathogenic.

Institute of Medical Genetics and Genomics, Sir Ganga Ram Hospital
Classification: Pathogenic for Cone-rod dystrophy 12. Last evaluated: 2023-06-22. Review status: criteria provided, single submitter. Criteria: ACMG Guidelines, 2015. Collection method: clinical testing. Allele origin: inherited. Inheritance: Autosomal recessive inheritance. Affected: yes. Observed: 1 compound heterozygote.
Comment: This has been previously reported as pathogenic in PMID: 26702251

Blueprint Genetics
Classification: Pathogenic for PROM1-related disorders. Last evaluated: 2021-12-27. Review status: criteria provided, single submitter. Criteria: ACMG Guidelines, 2015. Collection method: clinical testing. Allele origin: germline. Affected: yes. Observed: 5 variant alleles.

NIHR Bioresource Rare Diseases, University of Cambridge
Classification: Pathogenic for Retinal dystrophy. Last evaluated: 2015-01-01. Review status: no assertion criteria provided. Collection method: research. Allele origin: unknown. Affected: yes. Observed: 1 variant allele. Not counted in ClinVar's aggregate classification.

Literature cited by the submitters: PubMed 17605048 (cited by Labcorp Genetics (formerly Invitae), Labcorp); PubMed 19718270 (cited by Labcorp Genetics (formerly Invitae), Labcorp); PubMed 24154662 (cited by Labcorp Genetics (formerly Invitae), Labcorp and NIHR Bioresource Rare Diseases, University of Cambridge); PubMed 25474345 (cited by Labcorp Genetics (formerly Invitae), Labcorp); PubMed 24763286 (cited by Labcorp Genetics (formerly Invitae), Labcorp); PubMed 32581362 (cited by Labcorp Genetics (formerly Invitae), Labcorp); PubMed 26702251 (cited by Institute of Medical Genetics and Genomics, Sir Ganga Ram Hospital); PubMed 28041643 (cited by NIHR Bioresource Rare Diseases, University of Cambridge).

NM_006017.3(PROM1):c.730C>T (p.Arg244Ter)

Gene: PROM1 (prominin 1; minus strand). Cytogenetic location: 4p15.32.
Variant type: single nucleotide variant.
Coding change: c.730C>T on transcript NM_006017.3 (MANE Select); coding-DNA position 730, C replaced by T.
Protein change: p.Arg244Ter; replaces arginine 244 with a stop codon.
Molecular consequence: nonsense.
Genome position (GRCh38, 1-based): chr4:16,023,380, G>A on the plus strand (C>T on the coding strand, the complement: PROM1 is on the minus strand). VCF-style: chr4-16023380-G-A. GRCh37 (hg19) VCF-style: chr4-16025003-G-A.
Other names: c.703C>T, p.Arg235Ter (NM_001145847.2, NM_001145848.2, NM_001145851.2 and 4 more transcripts); c.730C>T, p.Arg244Ter (NM_001145849.2, NM_001145850.2); short protein forms R244*, R235*.
Identifiers: ClinVar variation 438215 (VCV000438215.11), dbSNP rs373331232, ClinGen allele CA2866972.